The following is an entry in ClinVar:

NM_000282.4(PCCA):c.231+1G>C

Gene: PCCA (propionyl-CoA carboxylase subunit alpha; plus strand). Cytogenetic location: 13q32.3.
Variant type: single nucleotide variant.
Coding change: c.231+1G>C on transcript NM_000282.4 (MANE Select); the canonical splice donor site of the intron after coding-DNA position 231, G replaced by C.
Molecular consequence: splice donor variant.
Genome position (GRCh38, 1-based): chr13:100,111,889, G>C. VCF-style: chr13-100111889-G-C. GRCh37 (hg19) VCF-style: chr13-100764143-G-C.
Other names: c.231+1G>C (NM_001178004.2, NM_001352605.2, NM_001352606.2 and 1 more transcripts); c.-636+1G>C (NM_001352610.2, NM_001352611.2, NM_001352612.2); c.153+1G>C (NM_001127692.3, NM_001352607.2, NM_001352608.2).
Identifiers: ClinVar variation 550113 (VCV000550113.23), dbSNP rs972937270, ClinGen allele CA255965887.

ClinVar aggregate classification (germline): Pathogenic/Likely pathogenic. Review status: criteria provided, multiple submitters, no conflicts (2 of 4 stars). 4 submissions from 4 submitters: Pathogenic (3); Likely pathogenic (1). Last evaluated 2025-12-09.

Conditions:
Propionic acidemia (PROP). Also called: GLYCINEMIA, KETOTIC; HYPERGLYCINEMIA WITH KETOACIDOSIS AND LEUKOPENIA; KETOTIC HYPERGLYCINEMIA. Identifiers: Orphanet 35, MedGen C0268579, MONDO:0011628, OMIM 606054, HP:0003571.

Allele frequency attached by ClinVar (database versions not stated): TOPMed below 0.00001; gnomAD 0.00001; gnomAD exomes 0.00001.
gnomAD v4.1: 8 of 1,610,276 alleles (0.0005%); highest among the groups gnomAD compares: African/African-American, 0.0027%; no homozygotes.

Submissions (4):

Labcorp Genetics (formerly Invitae), Labcorp
Classification: Pathogenic for Propionic acidemia. Last evaluated: 2025-12-09. Review status: criteria provided, single submitter. Criteria: Invitae Variant Classification Sherloc (09022015). Collection method: clinical testing. Allele origin: germline.
Comment: This sequence change affects a donor splice site in intron 3 of the PCCA gene. It is expected to disrupt RNA splicing. Variants that disrupt the donor or acceptor splice site typically lead to a loss of protein function (PMID: 16199547), and loss-of-function variants in PCCA are known to be pathogenic (PMID: 15464417). This variant is present in population databases (no rsID available, gnomAD 0.008%). Disruption of this splice site has been observed in individuals with propionic acidemia (PMID: 22033733, 25047749). ClinVar contains an entry for this variant (Variation ID: 550113). Algorithms developed to predict the effect of sequence changes on RNA splicing suggest that this variant may disrupt the consensus splice site. For these reasons, this variant has been classified as Pathogenic.

Natera, Inc.
Classification: Pathogenic for Propionic acidemia. Last evaluated: 2025-06-27. Review status: criteria provided, single submitter. Criteria: Natera Variant Classification Schema (03/2026). Collection method: clinical testing. Allele origin: germline.
Comment: The c.231+1G>C variant in PCCA is a canonical splice donor site variant predicted to affect pre-mRNA splicing, which may result in an abnormal transcript and altered protein product. This variant is expected to result in nonsense mediated decay, truncation, or a dysfunctional protein product. This variant is rare in the general population with a frequency below the threshold expected for the associated phenotype(s). This variant has been observed in one or more individuals affected with the associated recessive disease, as either homozygous or compound heterozygous with a second variant (PMID: 19157943). Given the available evidence, this variant is classified as Pathogenic.

Myriad Genetics, Inc.
Classification: Likely pathogenic for Propionic acidemia. Last evaluated: 2021-11-11. Review status: criteria provided, single submitter. Criteria: Myriad Women's Health Autosomal Recessive and X-Linked Classification Criteria (2021). Collection method: clinical testing. Allele origin: unknown.
Comment: NM_000282.3(PCCA):c.231+1G>C is a canonical splice site variant classified as likely pathogenic in the context of PCCA-related propionic acidemia. c.231+1G>C has been observed in cases with relevant disease (PMID: 22033733, 25047749). Functional assessments of this variant are available in the literature (PMID: 19157943). Internal structural analysis of the variant is supportive of pathogenicity. c.231+1G>C has been observed in population frequency databases (gnomAD: NFE 0.01%). In summary, NM_000282.3(PCCA):c.231+1G>C is a canonical splice site variant that has both functional and internal structural support for pathogenicity and has been observed more frequently in cases with the relevant disease than in healthy populations. Please note: this variant was assessed in the context of healthy population screening.

Women's Health and Genetics/Laboratory Corporation of America, LabCorp
Classification: Pathogenic for Propionyl-CoA carboxylase deficiency. Last evaluated: 2018-02-19. Review status: criteria provided, single submitter. Criteria: LabCorp Variant Classification Summary - May 2015. Collection method: clinical testing. Allele origin: germline.
Comment: Variant summary: PCCA c.231+1G>C is located in a canonical splice-site and is predicted to affect mRNA splicing resulting in a significantly altered protein due to either exon skipping, shortening, or inclusion of intronic material. Several computational tools predict a significant impact on normal splicing: Four predict the variant abolishes a 5' splicing donor site. One publication reports experimental evidence that this variant determines exons 3-4 skipping (Desviat_2009). The variant allele was found at a frequency of 1.4e-05 in 276520 control chromosomes (gnomAD). This frequency is not higher than expected for a pathogenic variant in PCCA causing Propionic Acidemia (1.4e-05 vs 0.0034), allowing no conclusion about variant significance. The c.231+1G>C variant has been reported in the literature in individuals affected with Propionic Acidemia (Desviat_2006, Desviat_2009). These data indicate that the variant may be associated with disease. At least one publication reports experimental evidence evaluating an impact on protein function. The most pronounced variant effect results in <10% of normal activity. No clinical diagnostic laboratories have submitted clinical-significance assessments for this variant to ClinVar after 2014. Based on the evidence outlined above, the variant was classified as pathogenic.

Literature cited by the submitters: PubMed 16199547 (cited by Labcorp Genetics (formerly Invitae), Labcorp); PubMed 15464417 (cited by Labcorp Genetics (formerly Invitae), Labcorp); PubMed 22033733 (cited by Labcorp Genetics (formerly Invitae), Labcorp and Myriad Genetics, Inc.); PubMed 25047749 (cited by 3 submitters); PubMed 19157943 (cited by 3 submitters); PubMed 17051315 (cited by Women's Health and Genetics/Laboratory Corporation of America, LabCorp).